The following is an entry in ClinVar:

ClinVar aggregate classification (germline): Uncertain significance (1 of 4 stars; one submission).

Conditions:
Long QT syndrome (LQTS). Identifiers: MedGen C0023976, MeSH D008133, MONDO:0002442. Disease mechanism: loss of function. Inheritance: Various modes of inheritance.

Submission:

Labcorp Genetics (formerly Invitae), Labcorp
Classification: Uncertain significance for Long QT syndrome. Last evaluated: 2023-06-04. Review status: criteria provided, single submitter. Criteria: Invitae Variant Classification Sherloc (09022015). Collection method: clinical testing. Allele origin: germline.
Comment: In summary, the available evidence is currently insufficient to determine the role of this variant in disease. Therefore, it has been classified as a Variant of Uncertain Significance. An algorithm developed to predict the effect of missense changes on protein structure and function (PolyPhen-2) suggests that this variant is likely to be disruptive. ClinVar contains an entry for this variant (Variation ID: 1026541). This variant has not been reported in the literature in individuals affected with KCNH2-related conditions. This variant is not present in population databases (gnomAD no frequency). This sequence change replaces serine, which is neutral and polar, with cysteine, which is neutral and slightly polar, at codon 278 of the KCNH2 protein (p.Ser278Cys).

NM_000238.4(KCNH2):c.832A>T (p.Ser278Cys)

Gene: KCNH2 (potassium voltage-gated channel subfamily H member 2; minus strand). Cytogenetic location: 7q36.1.
Variant type: single nucleotide variant.
Coding change: c.832A>T on transcript NM_000238.4 (MANE Select); coding-DNA position 832, A replaced by T.
Protein change: p.Ser278Cys; replaces serine 278 with cysteine.
Molecular consequence: missense variant.
Genome position (GRCh38, 1-based): chr7:150,958,143, T>A on the plus strand (A>T on the coding strand, the complement: KCNH2 is on the minus strand). VCF-style: chr7-150958143-T-A. GRCh37 (hg19) VCF-style: chr7-150655231-T-A.
Other names: c.544A>T, p.Ser182Cys (NM_001406753.1, NM_001406756.1); c.655A>T, p.Ser219Cys (NM_001406755.1); c.532A>T, p.Ser178Cys (NM_001406757.1); c.832A>T, p.Ser278Cys (NM_172056.3); short protein forms S278C, S178C, S182C, S219C.
Identifiers: ClinVar variation 1026541 (VCV001026541.9), dbSNP rs1801441560, ClinGen allele CA369862320.